The following is an entry in ClinVar:

NM_025179.4(PLXNA2):c.550A>G (p.Ile184Val)

Gene: PLXNA2 (plexin A2; minus strand). Cytogenetic location: 1q32.2.
Variant type: single nucleotide variant.
Coding change: c.550A>G on transcript NM_025179.4 (MANE Select); coding-DNA position 550, A replaced by G.
Protein change: p.Ile184Val; replaces isoleucine 184 with valine.
Molecular consequence: missense variant.
Genome position (GRCh38, 1-based): chr1:208,217,373, T>C on the plus strand (A>G on the coding strand, the complement: PLXNA2 is on the minus strand). VCF-style: chr1-208217373-T-C. GRCh37 (hg19) VCF-style: chr1-208390718-T-C.
Other names: short protein forms I184V.
Identifiers: ClinVar variation 2317323 (VCV002317323.3), dbSNP rs1013247512, ClinGen allele CA36726174.
Genomic context (GRCh38, chr1:208,217,373, plus strand): 5'-GCAGCTTCCGGCTGGACAGGGTCGGGAAGTAATCCTGCTTCCCATCCACAGCCGTGCCGA[T>C]GAAGAGCTTGCCATCCTCACCCTCAGAGCGCACAATCACCCCGTACATGGTGCCCGTCTT-3'
Protein context (NP_079455.3, residues 174-194): RSEGEDGKLF[Ile184Val]GTAVDGKQDY

ClinVar aggregate classification (germline): Uncertain significance. Review status: criteria provided, multiple submitters, no conflicts (2 of 4 stars). 2 submissions from 2 submitters: Uncertain significance (2). Last evaluated 2026-04-20.

Conditions:
PLXNA2-related disorder. Also called: PLXNA2-related condition.

Allele frequency attached by ClinVar (database versions not stated): gnomAD 0.00001; gnomAD exomes 0.00001; TOPMed 0.00001.
gnomAD v4.1: 13 of 1,614,060 alleles (0.00081%); highest among the groups gnomAD compares: Non-Finnish European, 0.0011%; no homozygotes.

Submissions (2):

PreventionGenetics, part of Exact Sciences
Classification: Uncertain significance for PLXNA2-related condition. Last evaluated: 2026-04-20. Review status: criteria provided, single submitter. Criteria: ACMG Guidelines, 2015. Collection method: clinical testing. Allele origin: germline.
Comment: The PLXNA2 c.550A>G variant is predicted to result in the amino acid substitution p.Ile184Val. To our knowledge, this variant has not been reported in the literature. This variant is reported in 0.00088% of alleles in individuals of European (non-Finnish) descent in gnomAD. At this time, the clinical significance of this variant is uncertain due to the absence of conclusive functional and genetic evidence.

Ambry Genetics
Classification: Uncertain significance. Last evaluated: 2022-10-06. Review status: criteria provided, single submitter. Criteria: Ambry Variant Classification Scheme 2023. Collection method: clinical testing. Allele origin: germline.